The following is an entry in ClinVar:

NM_003791.4(MBTPS1):c.106C>G (p.Pro36Ala)

Gene: MBTPS1 (membrane bound transcription factor peptidase, site 1; minus strand). Cytogenetic location: 16q24.1.
Variant type: single nucleotide variant.
Coding change: c.106C>G on transcript NM_003791.4 (MANE Select); coding-DNA position 106, C replaced by G.
Protein change: p.Pro36Ala; replaces proline 36 with alanine.
Molecular consequence: missense variant.
Genome position (GRCh38, 1-based): chr16:84,101,678, G>C on the plus strand (C>G on the coding strand, the complement: MBTPS1 is on the minus strand). VCF-style: chr16-84101678-G-C. GRCh37 (hg19) VCF-style: chr16-84135283-G-C.
Other names: short protein forms P36A.
Identifiers: ClinVar variation 2229015 (VCV002229015.3), dbSNP rs138570962, ClinGen allele CA8201907.
Genomic context (GRCh38, chr16:84,101,678, plus strand): 5'-TACCATATTCCACAACTGTTGATGAGAATTCCACCTTCAAAGTCAGGTGGGAACAGCCAG[G>C]GCATGGGGCCTTTTCAAAAGATTTCTTTTCCAGTCTGTCGCCCAGATGTTTCTTCCCACA-3'
Protein context (NP_003782.1, residues 26-46): EKKSFEKAPC[Pro36Ala]GCSHLTLKVE

ClinVar aggregate classification (germline): Uncertain significance. Review status: criteria provided, multiple submitters, no conflicts (2 of 4 stars). 2 submissions from 2 submitters: Uncertain significance (2). Last evaluated 2023-12-31.

Conditions:
Inborn genetic diseases. Identifiers: MedGen C0950123, MeSH D030342.

Allele frequency attached by ClinVar (database versions not stated): gnomAD exomes 0.00002; ExAC 0.00010; gnomAD 0.00013; TOPMed 0.00013; ESP Exome Variant Server 0.00031; 1000 Genomes Project 0.00060; 1000 Genomes Project 30x 0.00078.
gnomAD v4.1: 54 of 1,614,072 alleles (0.0033%); highest among the groups gnomAD compares: African/African-American, 0.049%; no homozygotes.

Submissions (2):

Labcorp Genetics (formerly Invitae), Labcorp
Classification: Uncertain significance. Last evaluated: 2023-12-31. Review status: criteria provided, single submitter. Criteria: Invitae Variant Classification Sherloc (09022015). Collection method: clinical testing. Allele origin: germline.
Comment: This sequence change replaces proline, which is neutral and non-polar, with alanine, which is neutral and non-polar, at codon 36 of the MBTPS1 protein (p.Pro36Ala). This variant is present in population databases (rs138570962, gnomAD 0.06%). This variant has not been reported in the literature in individuals affected with MBTPS1-related conditions. ClinVar contains an entry for this variant (Variation ID: 2229015). An algorithm developed to predict the effect of missense changes on protein structure and function (PolyPhen-2) suggests that this variant¬†is likely to be tolerated. In summary, the available evidence is currently insufficient to determine the role of this variant in disease. Therefore, it has been classified as a Variant of Uncertain Significance.

Ambry Genetics
Classification: Uncertain significance for Inborn genetic diseases. Last evaluated: 2021-10-14. Review status: criteria provided, single submitter. Criteria: Ambry Variant Classification Scheme 2023. Collection method: clinical testing. Allele origin: germline.